The following is an entry in ClinVar:

ClinVar aggregate classification (germline): Uncertain significance. Review status: criteria provided, multiple submitters, no conflicts (2 of 4 stars). 2 submissions from 2 submitters: Uncertain significance (2). Last evaluated 2025-08-24.

Conditions:
Inborn genetic diseases. Identifiers: MedGen C0950123, MeSH D030342.
Proteosome-associated autoinflammatory syndrome. Also called: Proteasome-associated autoinflammatory syndrome. Identifiers: Orphanet 324977, MedGen C1850568, MONDO:0009726.

Allele frequency attached by ClinVar (database versions not stated): gnomAD 0.00002; TOPMed 0.00003.

Submissions (2):

Ambry Genetics
Classification: Uncertain significance for Inborn genetic diseases. Last evaluated: 2025-08-24. Review status: criteria provided, single submitter. Criteria: Ambry Variant Classification Scheme 2023. Collection method: clinical testing. Allele origin: germline.

Labcorp Genetics (formerly Invitae), Labcorp
Classification: Uncertain significance for Proteosome-associated autoinflammatory syndrome. Last evaluated: 2022-03-24. Review status: criteria provided, single submitter. Criteria: Invitae Variant Classification Sherloc (09022015). Collection method: clinical testing. Allele origin: germline.
Comment: In summary, the available evidence is currently insufficient to determine the role of this variant in disease. Therefore, it has been classified as a Variant of Uncertain Significance. Algorithms developed to predict the effect of missense changes on protein structure and function (SIFT, PolyPhen-2, Align-GVGD) all suggest that this variant is likely to be disruptive. This variant has not been reported in the literature in individuals affected with PSMB8-related conditions. This variant is not present in population databases (gnomAD no frequency). This sequence change replaces glycine, which is neutral and non-polar, with valine, which is neutral and non-polar, at codon 95 of the PSMB8 protein (p.Gly95Val).

NM_148919.4(PSMB8):c.284G>T (p.Gly95Val)

Gene: PSMB8 (proteasome 20S subunit beta 8; minus strand). Cytogenetic location: 6p21.32.
Variant type: single nucleotide variant.
Coding change: c.284G>T on transcript NM_148919.4 (MANE Select); coding-DNA position 284, G replaced by T.
Protein change: p.Gly95Val; replaces glycine 95 with valine.
Molecular consequence: missense variant.
Genome position (GRCh38, 1-based): chr6:32,842,953, C>A on the plus strand (G>T on the coding strand, the complement: PSMB8 is on the minus strand). VCF-style: chr6-32842953-C-A. GRCh37 (hg19) VCF-style: chr6-32810730-C-A.
Other names: c.272G>T, p.Gly91Val (NM_004159.5); c.284G>T (NM_148919.3); short protein forms G95V, G91V.
Identifiers: ClinVar variation 2148507 (VCV002148507.4), dbSNP rs959750620, ClinGen allele CA137008052.